The following is an entry in ClinVar:

NM_052867.4(NALCN):c.1115G>A (p.Arg372His)

Gene: NALCN (sodium leak channel, non-selective; minus strand). Cytogenetic location: 13q33.1.
Variant type: single nucleotide variant.
Coding change: c.1115G>A on transcript NM_052867.4 (MANE Select); coding-DNA position 1115, G replaced by A.
Protein change: p.Arg372His; replaces arginine 372 with histidine.
Molecular consequence: missense variant. On other transcripts: intron variant (2).
Genome position (GRCh38, 1-based): chr13:101,283,952, C>T on the plus strand (G>A on the coding strand, the complement: NALCN is on the minus strand). VCF-style: chr13-101283952-C-T. GRCh37 (hg19) VCF-style: chr13-101936303-C-T.
Other names: c.1115G>A, p.Arg372His (NM_001350748.2, NM_001350749.2); c.1047+8038G>A (NM_001350751.2, NM_001350750.2); short protein forms R372H.
Identifiers: ClinVar variation 697703 (VCV000697703.16), dbSNP rs75772824, ClinGen allele CA7036310.

ClinVar aggregate classification (germline): Conflicting classifications of pathogenicity. Review status: criteria provided, conflicting classifications (1 of 4 stars). 5 submissions from 5 submitters: Uncertain significance (1); Likely benign (3). 1 of the submissions does not count toward it. Last evaluated 2026-09-08.

Conditions:
NALCN-related disorder. Also called: NALCN-related disorders; NALCN-related condition.
Inborn genetic diseases. Identifiers: MedGen C0950123, MeSH D030342.

Allele frequency attached by ClinVar (database versions not stated): 1000 Genomes Project 30x 0.00016; 1000 Genomes Project 0.00020; ExAC 0.00052; gnomAD exomes 0.00057 and 0.00123; TOPMed 0.00057; gnomAD 0.00062 and 0.00066; ESP Exome Variant Server 0.00092.
gnomAD v4.1: 1,870 of 1,613,088 alleles (0.12%); highest among the groups gnomAD compares: Non-Finnish European, 0.14%; no homozygotes.

Submissions (5):

Ambry Genetics
Classification: Uncertain significance for Inborn genetic diseases. Last evaluated: 2026-09-08. Review status: criteria provided, single submitter. Criteria: Ambry Variant Classification Scheme 2023. Collection method: clinical testing. Allele origin: germline.
Comment: The c.1115G>A (p.R372H) alteration is located in exon 10 (coding exon 9) of the NALCN gene. This alteration results from a G to A substitution at nucleotide position 1115, causing the arginine (R) at amino acid position 372 to be replaced by a histidine (H). Based on data from gnomAD, the A allele has an overall frequency of 0.056% (157/281518) total alleles studied. The highest observed frequency was 0.155% (16/10346) of Ashkenazi Jewish alleles. Based on insufficient or conflicting evidence, the clinical significance of this alteration remains unclear.

Labcorp Genetics (formerly Invitae), Labcorp
Classification: Likely benign. Last evaluated: 2025-11-28. Review status: criteria provided, single submitter. Criteria: Invitae Variant Classification Sherloc (09022015). Collection method: clinical testing. Allele origin: germline.

GeneDx
Classification: Likely benign. Last evaluated: 2021-01-20. Review status: criteria provided, single submitter. Criteria: GeneDx Variant Classification Process June 2021. Collection method: clinical testing. Allele origin: germline. Affected: yes.

Breakthrough Genomics
Classification: Likely benign. Review status: criteria provided, single submitter. Criteria: ACMG Guidelines, 2015. Collection method: not provided. Allele origin: germline. Inheritance: Autosomal recessive inheritance. Affected: yes.

PreventionGenetics, part of Exact Sciences
Classification: Likely benign for NALCN-related condition. Last evaluated: 2022-07-18. Review status: no assertion criteria provided. Collection method: clinical testing. Allele origin: germline. Not counted in ClinVar's aggregate classification.
Comment: This variant is classified as likely benign based on ACMG/AMP sequence variant interpretation guidelines (Richards et al. 2015 PMID: 25741868, with internal and published modifications).